The following is an entry in ClinVar:

ClinVar aggregate classification (germline): Uncertain significance. Review status: criteria provided, multiple submitters, no conflicts (2 of 4 stars). 2 submissions from 2 submitters: Uncertain significance (2). Last evaluated 2025-11-20.

Conditions:
Inborn genetic diseases. Identifiers: MedGen C0950123, MeSH D030342.
Holoprosencephaly sequence (HPE). Also called: Holoprosencephaly. Identifiers: Orphanet 2162, MedGen C0079541, MONDO:0016296, HP:0001360.

gnomAD v4.1: 8 of 1,607,924 alleles (0.0005%); highest among the groups gnomAD compares: African/African-American, 0.0027%; no homozygotes.

Submissions (2):

Ambry Genetics
Classification: Uncertain significance for Inborn genetic diseases. Last evaluated: 2025-11-20. Review status: criteria provided, single submitter. Criteria: Ambry Variant Classification Scheme 2023. Collection method: clinical testing. Allele origin: germline.

Labcorp Genetics (formerly Invitae), Labcorp
Classification: Uncertain significance for Holoprosencephaly sequence. Last evaluated: 2025-02-06. Review status: criteria provided, single submitter. Criteria: Invitae Variant Classification Sherloc (09022015). Collection method: clinical testing. Allele origin: germline.
Comment: This sequence change replaces glutamic acid, which is acidic and polar, with lysine, which is basic and polar, at codon 178 of the FOXH1 protein (p.Glu178Lys). This variant is present in population databases (rs753475192, gnomAD 0.007%). This variant has not been reported in the literature in individuals affected with FOXH1-related conditions. Invitae Evidence Modeling of protein sequence and biophysical properties (such as structural, functional, and spatial information, amino acid conservation, physicochemical variation, residue mobility, and thermodynamic stability) indicates that this missense variant is not expected to disrupt FOXH1 protein function with a negative predictive value of 80%. In summary, the available evidence is currently insufficient to determine the role of this variant in disease. Therefore, it has been classified as a Variant of Uncertain Significance.

NM_003923.3(FOXH1):c.532G>A (p.Glu178Lys)

Gene: FOXH1 (forkhead box H1; minus strand). Cytogenetic location: 8q24.3.
Variant type: single nucleotide variant.
Coding change: c.532G>A on transcript NM_003923.3 (MANE Select); coding-DNA position 532, G replaced by A.
Protein change: p.Glu178Lys; replaces glutamic acid 178 with lysine.
Molecular consequence: missense variant.
Genome position (GRCh38, 1-based): chr8:144,474,804, C>T on the plus strand (G>A on the coding strand, the complement: FOXH1 is on the minus strand). VCF-style: chr8-144474804-C-T. GRCh37 (hg19) VCF-style: chr8-145700187-C-T.
Other names: short protein forms E178K.
Identifiers: ClinVar variation 4620244 (VCV004620244.2).